The following is an entry in ClinVar:

NM_024675.4(PALB2):c.1056G>T (p.Glu352Asp)

Gene: PALB2 (partner and localizer of BRCA2; minus strand). Cytogenetic location: 16p12.2.
Variant type: single nucleotide variant.
Coding change: c.1056G>T on transcript NM_024675.4 (MANE Select); coding-DNA position 1056, G replaced by T.
Protein change: p.Glu352Asp; replaces glutamic acid 352 with aspartic acid.
Molecular consequence: missense variant. On other transcripts: intron variant (3).
Genome position (GRCh38, 1-based): chr16:23,635,490, C>A on the plus strand (G>T on the coding strand, the complement: PALB2 is on the minus strand). VCF-style: chr16-23635490-C-A. GRCh37 (hg19) VCF-style: chr16-23646811-C-A.
Other names: c.1056G>T, p.Glu352Asp (NM_001407301.1, NM_001407302.1, NM_001407297.1 and 3 more transcripts); c.171G>T, p.Glu57Asp (NM_001407304.1, NM_001407305.1, NM_001407306.1 and 5 more transcripts); c.48+5620G>T (NM_001407314.1); c.-104-5021G>T (NM_001407313.1, NM_001407312.1); c.996G>T, p.Glu332Asp (NM_001407296.1); short protein forms E332D, E352D, E57D.
Identifiers: ClinVar variation 4861514 (VCV004861514.1).

ClinVar aggregate classification (germline): Uncertain significance (1 of 4 stars; one submission).

Conditions:
Hereditary cancer-predisposing syndrome. Also called: Neoplastic Syndromes, Hereditary; Tumor predisposition; Hereditary Cancer Syndrome; Hereditary neoplastic syndrome. Identifiers: Orphanet 140162, MedGen C0027672, MeSH D009386, MONDO:0015356.

gnomAD v4.1: 1 of 1,614,026 alleles (0.000062%); highest among the groups gnomAD compares: Admixed American, 0.0017%; no homozygotes.

Submission:

Ambry Genetics
Classification: Uncertain significance for Hereditary cancer-predisposing syndrome. Last evaluated: 2026-06-09. Review status: criteria provided, single submitter. Criteria: Ambry Variant Classification Scheme 2023. Collection method: clinical testing. Allele origin: germline.
Comment: The p.E352D variant (also known as c.1056G>T), located in coding exon 4 of the PALB2 gene, results from a G to T substitution at nucleotide position 1056. The glutamic acid at codon 352 is replaced by aspartic acid, an amino acid with highly similar properties. This amino acid position is conserved. In addition, this alteration is predicted to be tolerated by in silico analysis. Based on the available evidence, the clinical significance of this variant remains unclear.